The following is an entry in ClinVar:

ClinVar aggregate classification (germline): Uncertain significance. Review status: criteria provided, multiple submitters, no conflicts (2 of 4 stars). 4 submissions from 4 submitters: Uncertain significance (4). Last evaluated 2025-11-17.

Conditions:
POLD1-related polyposis and colorectal cancer syndrome (CRCS10). Also called: Colorectal cancer, susceptibility to, 10; Colorectal cancer 10; COLORECTAL CANCER, SUSCEPTIBILITY TO, ON CHROMOSOME 19q. Identifiers: Orphanet 220460, MedGen C2675481, MONDO:0012953, OMIM 612591.
Hereditary cancer-predisposing syndrome. Also called: Neoplastic Syndromes, Hereditary; Hereditary neoplastic syndrome; Hereditary Cancer Syndrome; Tumor predisposition. Identifiers: Orphanet 140162, MedGen C0027672, MeSH D009386, MONDO:0015356.

Allele frequency attached by ClinVar (database versions not stated): TOPMed 0.00001.
gnomAD v4.1: 13 of 1,550,936 alleles (0.00084%); highest among the groups gnomAD compares: Non-Finnish European, 0.0011%; no homozygotes.

Submissions (4):

Labcorp Genetics (formerly Invitae), Labcorp
Classification: Uncertain significance for POLD1-related polyposis and colorectal cancer syndrome. Last evaluated: 2025-11-17. Review status: criteria provided, single submitter. Criteria: Invitae Variant Classification Sherloc (09022015). Collection method: clinical testing. Allele origin: germline.
Comment: This sequence change replaces valine, which is neutral and non-polar, with methionine, which is neutral and non-polar, at codon 1025 of the POLD1 protein (p.Val1025Met). The frequency data for this variant in the population databases is considered unreliable, as metrics indicate poor data quality at this position in the gnomAD database. This variant has not been reported in the literature in individuals affected with POLD1-related conditions. ClinVar contains an entry for this variant (Variation ID: 408116). Invitae Evidence Modeling of protein sequence and biophysical properties (such as structural, functional, and spatial information, amino acid conservation, physicochemical variation, residue mobility, and thermodynamic stability) indicates that this missense variant is not expected to disrupt POLD1 protein function with a negative predictive value of 80%. In summary, the available evidence is currently insufficient to determine the role of this variant in disease. Therefore, it has been classified as a Variant of Uncertain Significance.

Ambry Genetics
Classification: Uncertain significance for Hereditary cancer-predisposing syndrome. Last evaluated: 2025-05-28. Review status: criteria provided, single submitter. Criteria: Ambry Variant Classification Scheme 2023. Collection method: clinical testing. Allele origin: germline.
Comment: The p.V1025M variant (also known as c.3073G>A), located in coding exon 24 of the POLD1 gene, results from a G to A substitution at nucleotide position 3073. The valine at codon 1025 is replaced by methionine, an amino acid with highly similar properties. This amino acid position is conserved. In addition, this alteration is predicted to be tolerated by in silico analysis. Based on the available evidence, the clinical significance of this variant remains unclear.

GeneDx
Classification: Uncertain significance. Last evaluated: 2022-02-16. Review status: criteria provided, single submitter. Criteria: GeneDx Variant Classification Process June 2021. Collection method: clinical testing. Allele origin: germline. Affected: yes.
Comment: Not observed at significant frequency in large population cohorts (gnomAD); In silico analysis supports that this missense variant does not alter protein structure/function; Has not been previously published as pathogenic or benign to our knowledge; This variant is associated with the following publications: (PMID: 19296856)

Mendelics
Classification: Uncertain significance for POLD1-related polyposis and colorectal cancer syndrome. Last evaluated: 2019-05-28. Review status: criteria provided, single submitter. Criteria: Mendelics Assertion Criteria 2017. Collection method: clinical testing. Allele origin: unknown.

NM_002691.4(POLD1):c.3073G>A (p.Val1025Met)

Gene: POLD1 (DNA polymerase delta 1, catalytic subunit; plus strand). Cytogenetic location: 19q13.33.
Variant type: single nucleotide variant.
Coding change: c.3073G>A on transcript NM_002691.4 (MANE Select); coding-DNA position 3073, G replaced by A.
Protein change: p.Val1025Met; replaces valine 1025 with methionine.
Molecular consequence: missense variant. On other transcripts: non-coding transcript variant (1).
Genome position (GRCh38, 1-based): chr19:50,417,050, G>A. VCF-style: chr19-50417050-G-A. GRCh37 (hg19) VCF-style: chr19-50920307-G-A.
Other names: c.3073G>A, p.Val1025Met (NM_001256849.1); c.3151G>A, p.Val1051Met (NM_001308632.1); short protein forms V1025M, V1051M.
Identifiers: ClinVar variation 408116 (VCV000408116.19), dbSNP rs1060501858, ClinGen allele CA16616188.